The following is an entry in ClinVar:

NM_001009999.3(KDM1A):c.856A>T (p.Ile286Phe)

Gene: KDM1A (lysine demethylase 1A; plus strand). Cytogenetic location: 1p36.12.
Variant type: single nucleotide variant.
Coding change: c.856A>T on transcript NM_001009999.3 (MANE Select); coding-DNA position 856, A replaced by T.
Protein change: p.Ile286Phe; replaces isoleucine 286 with phenylalanine.
Molecular consequence: missense variant.
Genome position (GRCh38, 1-based): chr1:23,055,134, A>T. VCF-style: chr1-23055134-A-T. GRCh37 (hg19) VCF-style: chr1-23381627-A-T.
Other names: c.796A>T, p.Ile266Phe (NM_001363654.2, NM_015013.4); short protein forms I266F, I286F.
Identifiers: ClinVar variation 1311134 (VCV001311134.3), dbSNP rs1642789618, ClinGen allele CA338962422.
Genomic context (GRCh38, chr1:23,055,134, plus strand): 5'-ACTGTGCTTGTCCACCGAGTTCACAGTTATTTAGAGCGTCATGGTCTTATCAACTTCGGC[A>T]TCTATAAGAGGATAAAACCCCTACCAAGTAAGGACCTCCTACCTGGCTGATAAATTTTAC-3'
Protein context (NP_001009999.1, residues 276-296): LERHGLINFG[Ile286Phe]YKRIKPLPTK

ClinVar aggregate classification (germline): Uncertain significance. Review status: criteria provided, multiple submitters, no conflicts (2 of 4 stars). 2 submissions from 2 submitters: Uncertain significance (2). Last evaluated 2025-04-01.

Conditions:
Inborn genetic diseases. Identifiers: MedGen C0950123, MeSH D030342.

gnomAD v4.1: 3 of 1,611,824 alleles (0.00019%); highest among the groups gnomAD compares: Non-Finnish European, 0.00017%; no homozygotes.

Submissions (2):

Ambry Genetics
Classification: Uncertain significance for Inborn genetic diseases. Last evaluated: 2025-04-01. Review status: criteria provided, single submitter. Criteria: Ambry Variant Classification Scheme 2023. Collection method: clinical testing. Allele origin: germline.
Comment: The p.I286F variant (also known as c.856A>T), located in coding exon 6 of the KDM1A gene, results from an A to T substitution at nucleotide position 856. The isoleucine at codon 286 is replaced by phenylalanine, an amino acid with highly similar properties. This amino acid position is conserved. In addition, the in silico prediction for this alteration is inconclusive. Based on the available evidence, the clinical significance of this variant remains unclear.

GeneDx
Classification: Uncertain significance. Last evaluated: 2019-12-16. Review status: criteria provided, single submitter. Criteria: GeneDx Variant Classification Process June 2021. Collection method: clinical testing. Allele origin: germline. Affected: yes.
Comment: Not observed in large population cohorts (Lek et al., 2016); In silico analysis, which includes protein predictors and evolutionary conservation, supports a deleterious effect; Has not been previously published as pathogenic or benign to our knowledge